The following is an entry in ClinVar:

NM_198334.3(GANAB):c.713C>T (p.Pro238Leu)

Gene: GANAB (glucosidase II alpha subunit; minus strand). Cytogenetic location: 11q12.3.
Variant type: single nucleotide variant.
Coding change: c.713C>T on transcript NM_198334.3 (MANE Select); coding-DNA position 713, C replaced by T.
Protein change: p.Pro238Leu; replaces proline 238 with leucine.
Molecular consequence: missense variant. On other transcripts: 5 prime UTR variant (2).
Genome position (GRCh38, 1-based): chr11:62,633,189, G>A on the plus strand (C>T on the coding strand, the complement: GANAB is on the minus strand). VCF-style: chr11-62633189-G-A. GRCh37 (hg19) VCF-style: chr11-62400661-G-A.
Other names: c.437C>T, p.Pro146Leu (NM_001278192.2); c.371C>T, p.Pro124Leu (NM_001278193.2); c.422C>T, p.Pro141Leu (NM_001278194.2, NM_001329222.2, NM_001329223.2); c.-11C>T (NM_001329224.2, NM_001329225.2); c.779C>T, p.Pro260Leu (NM_198335.4); short protein forms P124L, P141L, P260L, P146L, P238L.
Identifiers: ClinVar variation 4055901 (VCV004055901.1).

ClinVar aggregate classification (germline): Uncertain significance (1 of 4 stars; one submission).

Submission:

GeneDx
Classification: Uncertain significance. Last evaluated: 2025-01-03. Review status: criteria provided, single submitter. Criteria: GeneDx Variant Classification Process June 2021. Collection method: clinical testing. Allele origin: germline. Affected: yes.
Comment: In silico analysis supports that this missense variant has a deleterious effect on protein structure/function; Has not been previously published as pathogenic or benign to our knowledge